The following is an entry in ClinVar:

NM_006755.2(TALDO1):c.462-9G>A

Genes: TALDO1 (transaldolase 1; plus strand), LOC126861110 (CDK7 strongly-dependent group 2 enhancer GRCh37_chr11:762588-763787; plus strand). Cytogenetic location: 11p15.5.
Variant type: single nucleotide variant.
Coding change: c.462-9G>A on transcript NM_006755.2 (MANE Select); 9 bases into the intron before coding-DNA position 462, G replaced by A.
Molecular consequence: intron variant.
Genome position (GRCh38, 1-based): chr11:763,335, G>A. VCF-style: chr11-763335-G-A. GRCh37 (hg19) VCF-style: chr11-763335-G-A.
Other names: c.462-9G>A (NM_006755.1).
Identifiers: ClinVar variation 2166238 (VCV002166238.6), dbSNP rs766646742, ClinGen allele CA5788172.

ClinVar aggregate classification (germline): Likely benign. Review status: criteria provided, single submitter (1 of 4 stars). 2 submissions from 2 submitters: Likely benign (1). 1 of the submissions does not count toward it. Last evaluated 2025-08-20.

Conditions:
TALDO1-related disorder. Also called: TALDO1-related condition.

Allele frequency attached by ClinVar (database versions not stated): gnomAD 0.00001; ExAC 0.00004.
gnomAD v4.1: 62 of 1,480,184 alleles (0.0042%); highest among the groups gnomAD compares: South Asian, 0.0079%; no homozygotes.

Submissions (2):

Labcorp Genetics (formerly Invitae), Labcorp
Classification: Likely benign. Last evaluated: 2025-08-20. Review status: criteria provided, single submitter. Criteria: Invitae Variant Classification Sherloc (09022015). Collection method: clinical testing. Allele origin: germline.

PreventionGenetics, part of Exact Sciences
Classification: Likely benign for TALDO1-related condition. Last evaluated: 2021-04-08. Review status: no assertion criteria provided. Collection method: clinical testing. Allele origin: germline. Not counted in ClinVar's aggregate classification.
Comment: This variant is classified as likely benign based on ACMG/AMP sequence variant interpretation guidelines (Richards et al. 2015 PMID: 25741868, with internal and published modifications).